The following continues an entry in ClinVar:

NM_007194.4(CHEK2):c.444+1G>A

Gene: CHEK2. ClinVar aggregate classification (germline): Pathogenic/Likely pathogenic. Pathogenic (51); Likely pathogenic (2).

Submissions 31 to 48 of 72:

Institute for Medical Genetics and Human Genetics, Charité - Universitätsmedizin Berlin
Classification: Pathogenic for Familial cancer of breast. Last evaluated: 2022-09-27. Review status: criteria provided, single submitter. Criteria: ACMG Guidelines, 2015. Collection method: clinical testing. Allele origin: germline. Inheritance: Autosomal dominant inheritance. Affected: yes. Observed: 1 heterozygote.

MGZ Medical Genetics Center
Classification: Pathogenic for Familial cancer of breast. Last evaluated: 2022-08-23. Review status: criteria provided, single submitter. Criteria: ACMG Guidelines, 2015. Collection method: clinical testing. Allele origin: germline. Affected: yes. Observed: 6 variant alleles.
Comment: ACMG criteria applied: PVS1, PS3, PS4_MOD

Human Genetics Bochum, Ruhr University Bochum
Classification: Pathogenic for Colorectal cancer. Last evaluated: 2022-08-17. Review status: criteria provided, single submitter. Criteria: ACMG Guidelines, 2015. Collection method: clinical testing. Allele origin: germline. Affected: yes.
Comment: ACMG criteria used to clasify this variant: PVS1, PM2, PS4

Laboratory Cellgenetics, GMDL Cellgenetics
Classification: Pathogenic for Familial cancer of breast. Last evaluated: 2022-03-01. Review status: criteria provided, single submitter. Criteria: ACMG Guidelines, 2015. Collection method: clinical testing. Allele origin: germline. Inheritance: Autosomal dominant inheritance. Affected: yes. Observed: 1 heterozygote.
Comment: The variant CHEK2:c.444+1G>A was classified as Pathogenic. The classification was assigned based on the following ACMG criteria: PVS1, PS3, PS4_moderate, PM2, PP5.

Sema4
Classification: Pathogenic for Hereditary cancer-predisposing syndrome. Last evaluated: 2021-11-30. Review status: criteria provided, single submitter. Criteria: Sema4 Curation Guidelines. Collection method: curation. Allele origin: germline.
Comment: The CHEK2 c.444+1G>A variant, also known as IVS2+1G>A in the literature, is a well-known pathogenic variant associated with breast and other cancers (PMID: 12533788, 31843900, 19030985, 21876083, 15492928, 24713400). The c.444+1G>A variant has been shown to be one of three CHEK2 founder variants in the Polish population (PMID: 15492928). In case-control studies the variant was shown to be associated with breast cancer (OR: 2.3-3.0, p=0.04), melanoma (OR: 3.3, p=0.3), prostate cancer (OR: 2.5, p=0.05), stomach cancer (OR: 3.5, p=0.05), and thyroid cancer (OR: 6.2, p=0.0003) (PMID: 15492928, 24713400). Functional studies have shown that this variant alters splicing and results in decreased CHEK2 expression (PMID: 12533788, 31843900). This variant has been reported in ClinVar (Variation ID: 128075). This variant was observed in 13/25122 chromosomes in the Finnish population according to the Genome Aggregation Database (PMID: 32461654). Based on the current evidence available, this variant is interpreted as pathogenic.

Institute for Clinical Genetics, University Hospital TU Dresden, University Hospital TU Dresden
Classification: Pathogenic. Last evaluated: 2021-11-03. Review status: criteria provided, single submitter. Criteria: ACMG Guidelines, 2015. Collection method: clinical testing. Allele origin: germline.

Department of Pediatrics, Memorial Sloan Kettering Cancer Center
Classification: Pathogenic for Familial cancer of breast. Last evaluated: 2020-12-15. Review status: criteria provided, single submitter. Criteria: ACMG Guidelines, 2015. Collection method: research. Allele origin: germline. Affected: no.

Institute of Medical Genetics and Applied Genomics, University Hospital Tübingen
Classification: Pathogenic. Last evaluated: 2020-10-23. Review status: criteria provided, single submitter. Criteria: ACMG Guidelines, 2015. Collection method: clinical testing. Allele origin: germline. Inheritance: Unknown mechanism. Affected: yes.

GeneDx
Classification: Pathogenic. Last evaluated: 2020-06-24. Review status: criteria provided, single submitter. Criteria: GeneDx Variant Classification Process June 2021. Collection method: clinical testing. Allele origin: germline. Affected: yes.
Comment: Canonical splice site variant in a gene for which loss-of-function is a known mechanism of disease; Not observed at a significant frequency in large population cohorts (gnomAD); This variant is associated with the following publications: (PMID: 25980754, 25583358, 15095295, 27751358, 28918466, 30322717, 30927251, 31159747, 33077847, 32885271, 32338768, 33726816, 21876083, 25525159, 25915596, 26083025, 26250988, 25619955, 26084796, 15492928, 22058216, 19030985, 23296741, 26822949, 27153395, 26629066, 26929905, 26296701, 27038244, 24713400, 12533788, 16914568, 27616075, 27783279, 28727877, 28802053, 15810020, 27488870, 28680382, 28211887, 29356917, 29067458, 17085682, 29520813, 29902706, 29958926, 26681312, 30426508, 31447099, 34308366, 34570182)

Genetics and Molecular Pathology, SA Pathology
Classification: Pathogenic for Familial cancer of breast. Last evaluated: 2020-04-17. Review status: criteria provided, single submitter. Criteria: ACMG Guidelines, 2015. Collection method: clinical testing. Allele origin: germline. Affected: yes.

Department of Molecular Diagnostics, Institute of Oncology Ljubljana
Classification: Pathogenic for Familial cancer of breast. Last evaluated: 2020-04-02. Review status: criteria provided, single submitter. Criteria: ACMG Guidelines, 2015. Collection method: clinical testing. Allele origin: germline. Affected: yes.

GeneKor MSA
Classification: Pathogenic. Last evaluated: 2020-01-01. Review status: criteria provided, single submitter. Criteria: ACMG Guidelines, 2015. Collection method: clinical testing. Allele origin: germline.
Comment: This variation occurs one base after exon 3 of the CHEK2 gene in a position highly conserved in the human and other genomes that is crucial for mRNA processing. This is expected to result in incorrect splicing and likely results in an absent or disrupted protein product. This variant has been reported in literature in individuals with increased risk for breast, prostate and other cancers (PMID:15492928, PMID: 19030985, PMID:12533788, PMID: 15492928). This variant is also known as IVS2+1G>A in the literature. The mutation database ClinVar contains entries for this variant (Variation ID: 128075). Algorithms developed to predict the effect of single base changes on mRNA splicing suggest that this variant may alter this cellular process. Moreover, experimental studies support the pathogenic effect of this variant through in mRNA splicing (PMID: 12533788).

Mendelics
Classification: Pathogenic for Familial cancer of breast. Last evaluated: 2019-05-28. Review status: criteria provided, single submitter. Criteria: Mendelics Assertion Criteria 2017. Collection method: clinical testing. Allele origin: unknown.

Revvity Omics, Revvity
Classification: Pathogenic. Last evaluated: 2019-04-24. Review status: criteria provided, single submitter. Criteria: ACMG Guidelines, 2015. Collection method: clinical testing. Allele origin: germline.

Institute of Human Genetics, University of Leipzig Medical Center
Classification: Pathogenic for Familial cancer of breast. Last evaluated: 2019-01-01. Review status: criteria provided, single submitter. Criteria: ACMG Guidelines, 2015. Collection method: clinical testing. Allele origin: unknown. Affected: yes.

Fulgent Genetics
Classification: Pathogenic for Familial cancer of breast; Familial prostate cancer; Bone osteosarcoma; CHEK2-related cancer predisposition. Last evaluated: 2018-10-31. Review status: criteria provided, single submitter. Criteria: ACMG Guidelines, 2015. Collection method: clinical testing. Allele origin: unknown.

Illumina Laboratory Services, Illumina
Classification: Likely pathogenic for CHEK2-Related Cancer Susceptibility. Last evaluated: 2018-09-21. Review status: criteria provided, single submitter. Criteria: ICSL Variant Classification Criteria 09 May 2019. Collection method: clinical testing. Allele origin: germline.
Comment: The CHEK2 c.444+1G>A variant, also reported as IVS2+1G>A, occurs in a canonical splice site (donor) and is therefore predicted to disrupt or distort the normal gene product. This variant is well described in the literature in over 100 probands, and is associated particularly with familial prostate cancer and breast cancer (Dong et al. 2003, Cybulski et al. 2004a, Cybulski et al. 2004b, Cybulski et al. 2011, BÄ…k et al. 2014, Borun et al. 2015, SioÅ‚ek et al. 2015) with odds ratios for familial prostate cancer of up to 12.1 (Cybulski et al. 2004b) and breast cancer of 3.0 (BÄ…k et al. 2014). The c.444+1G>A variant is reported at a frequency of 0.000465 in the European (non-Finnish) population of the Genome Aggregation Database. The c.444+1G>A variant has been shown to be one of three CHEK2 founder variants in the Polish population. Functional studies by Dong et al. (2003) demonstrated that the c.444+1G>A variant creates a premature stop codon, which removes part of the FHA domain of the protein and the entire kinase activation domain, and western blot analysis showed dramatic reduction of CHEK2 protein levels in cell lines from the proband. Based on the evidence, the c.444+1G>A variant is classified as likely pathogenic for CHEK2-related cancer susceptibility. This variant was observed by ICSL as part of a predisposition screen in an ostensibly healthy population.

Women's Health and Genetics/Laboratory Corporation of America, LabCorp
Classification: Pathogenic for Familial cancer of breast. Last evaluated: 2017-11-22. Review status: criteria provided, single submitter. Criteria: LabCorp Variant Classification Summary - May 2015. Collection method: clinical testing. Allele origin: germline.
Comment: Variant summary: The CHEK2 c.444+1G>A variant involves the alteration of a conserved intronic nucleotide that is the first nucleotide of the intron at an exon-intron junction. One in silico tool predicts a damaging outcome for this variant. 5/5 splice prediction tools predict a loss of the canonical splice site, which is supported by functional studies that show the use of a cryptic splice site in patient cell lines that introduces 4bp, thus causing a frameshift. A concomitant reduction in CHEK2 protein was also detected in these patient cell lines, supporting the splicing data (Dong_2003). The variant has been identified in numerous patients with breast and prostate cancer (Kraus_2016, Maxwell_2016, Lhota_2016). The variant reportedly identified among BrC patients at a frequency of 1.3% and is considered to be one of the four founder mutations in Poland (Cybulski_2011). This variant was found in 39/278078 control chromosomes at a frequency of 0.0001402, which does not exceed the estimated maximal expected allele frequency of a pathogenic CHEK2 variant (0.0003125). In addition, multiple clinical diagnostic laboratories/reputable databases classified this variant as pathogenic. Taken together, this variant is classified as pathogenic.